The following is an entry in ClinVar:

ClinVar aggregate classification (germline): Uncertain significance (1 of 4 stars; one submission).

Submission:

GeneDx
Classification: Uncertain significance. Last evaluated: 2026-04-06. Review status: criteria provided, single submitter. Criteria: GeneDx Variant Classification Process June 2021. Collection method: clinical testing. Allele origin: germline.
Comment: Not observed at significant frequency in large population cohorts (gnomAD); In silico analysis supports that this missense variant has a deleterious effect on protein structure/function; Has not been previously published as pathogenic or benign to our knowledge

NM_004586.3(RPS6KA3):c.579C>G (p.Asp193Glu)

Gene: RPS6KA3 (ribosomal protein S6 kinase A3; minus strand). Cytogenetic location: Xp22.12.
Variant type: single nucleotide variant.
Coding change: c.579C>G on transcript NM_004586.3 (MANE Select); coding-DNA position 579, C replaced by G.
Protein change: p.Asp193Glu; replaces aspartic acid 193 with glutamic acid.
Molecular consequence: missense variant.
Genome position (GRCh38, 1-based): chrX:20,193,501, G>C on the plus strand (C>G on the coding strand, the complement: RPS6KA3 is on the minus strand). VCF-style: chrX-20193501-G-C. GRCh37 (hg19) VCF-style: chrX-20211619-G-C.
Other names: c.495C>G, p.Asp165Glu (NM_001438340.1); short protein forms D165E, D193E.
Identifiers: ClinVar variation 5018131 (VCV005018131.1).